The following is an entry in ClinVar:

NM_001267550.2(TTN):c.41542G>A (p.Gly13848Arg)

Gene: TTN (titin; minus strand). Cytogenetic location: 2q31.2.
Variant type: single nucleotide variant.
Coding change: c.41542G>A on transcript NM_001267550.2 (MANE Select); coding-DNA position 41542, G replaced by A.
Protein change: p.Gly13848Arg; replaces glycine 13848 with arginine.
Molecular consequence: missense variant.
Genome position (GRCh38, 1-based): chr2:178,636,029, C>T on the plus strand (G>A on the coding strand, the complement: TTN is on the minus strand). VCF-style: chr2-178636029-C-T. GRCh37 (hg19) VCF-style: chr2-179500756-C-T.
Other names: c.36619G>A, p.Gly12207Arg (NM_001256850.1); c.14347G>A, p.Gly4783Arg (NM_003319.4); c.33838G>A, p.Gly11280Arg (NM_133378.4); c.14722G>A, p.Gly4908Arg (NM_133432.3); c.14923G>A, p.Gly4975Arg (NM_133437.4); c.41542G>A (NM_001267550.1); short protein forms G13848R, G4908R, G12207R, G4783R, G4975R, G11280R.
Identifiers: ClinVar variation 467135 (VCV000467135.5), dbSNP rs1553746427, ClinGen allele CA349658241.

ClinVar aggregate classification (germline): Uncertain significance. Review status: criteria provided, multiple submitters, no conflicts (2 of 4 stars). 3 submissions from 3 submitters: Uncertain significance (3). Last evaluated 2025-12-17.

Conditions:
Autosomal recessive limb-girdle muscular dystrophy type 2J (LGMDR10). Also called: Limb-girdle muscular dystrophy, type 2J; MUSCULAR DYSTROPHY, LIMB-GIRDLE, AUTOSOMAL RECESSIVE 10. Identifiers: Orphanet 140922, MedGen C1837342, MONDO:0012127, OMIM 608807.
Dilated cardiomyopathy 1G (CMD1G). Identifiers: Orphanet 154, MedGen C1858763, MONDO:0011400, OMIM 604145.
TTN-related disorder. Also called: TTN-related condition; TTN-related disease; TTN-related disorders.

Submissions (3):

PreventionGenetics, part of Exact Sciences
Classification: Uncertain significance for TTN-related condition. Last evaluated: 2025-12-17. Review status: criteria provided, single submitter. Criteria: ACMG Guidelines, 2015. Collection method: clinical testing. Allele origin: germline.
Comment: The TTN c.41542G>A variant is predicted to result in the amino acid substitution p.Gly13848Arg. To our knowledge, this variant has not been reported in the literature or in a large population database (gnomAD), indicating this variant is rare. At this time, the clinical significance of this variant is uncertain due to the absence of conclusive functional and genetic evidence.

GeneDx
Classification: Uncertain significance. Last evaluated: 2025-01-15. Review status: criteria provided, single submitter. Criteria: GeneDx Variant Classification Process June 2021. Collection method: clinical testing. Allele origin: germline. Affected: yes.
Comment: Not observed at significant frequency in large population cohorts (gnomAD); Missense variant in a gene in which most reported pathogenic variants are truncating/loss of function; Has not been previously published as pathogenic or benign to our knowledge

Labcorp Genetics (formerly Invitae), Labcorp
Classification: Uncertain significance for Dilated cardiomyopathy 1G; Autosomal recessive limb-girdle muscular dystrophy type 2J. Last evaluated: 2017-02-18. Review status: criteria provided, single submitter. Criteria: Invitae Variant Classification Sherloc (09022015). Collection method: clinical testing. Allele origin: germline.